The following is an entry in ClinVar:

NM_005632.3(CAPN15):c.2091C>T (p.Gly697=)

Gene: CAPN15 (calpain 15; plus strand). Cytogenetic location: 16p13.3.
Variant type: single nucleotide variant.
Coding change: c.2091C>T on transcript NM_005632.3 (MANE Select); coding-DNA position 2091, C replaced by T.
Protein change: p.Gly697=; no amino-acid change (glycine 697 retained).
Molecular consequence: synonymous variant.
Genome position (GRCh38, 1-based): chr16:551,326, C>T. VCF-style: chr16-551326-C-T. GRCh37 (hg19) VCF-style: chr16-601326-C-T.
Other names: NC_000016.9:g.601326C>T; c.2091C>T (NM_005632.2).
Identifiers: ClinVar variation 2498634 (VCV002498634.31), dbSNP rs146637756, ClinGen allele CA7778576.
Genomic context (GRCh38, chr16:551,326, plus strand): 5'-AGGGTCCCGGTCGGTGAGGGCCGCTCTGCCACACAGGTTCCTCATGGGTGCCTCCTGTGG[C>T]GGGGGCAACATGAAGGTGGACGATTCGGCCTACGAGAGCCTGGGCCTGCGCCCCCGGCAT-3'
Protein context (NP_005623.1, residues 687-707): EAGFLMGASC[Gly697=]GGNMKVDDSA

ClinVar aggregate classification (germline): Likely benign. Review status: criteria provided, multiple submitters, no conflicts (2 of 4 stars). 3 submissions from 3 submitters: Likely benign (2). 1 of the submissions does not count toward it. Last evaluated 2026-09-01.

Conditions:
CAPN15-related disorder. Also called: CAPN15-related condition.

Allele frequency attached by ClinVar (database versions not stated): 1000 Genomes Project 30x 0.00078; 1000 Genomes Project 0.00100; gnomAD 0.00169; TOPMed 0.00175; ExAC 0.00192; ESP Exome Variant Server 0.00200.

Submissions (4):

CeGaT Center for Human Genetics Tuebingen
Classification: Likely benign. Last evaluated: 2026-09-01. Review status: criteria provided, single submitter. Criteria: CeGaT Center For Human Genetics Tuebingen Variant Classification Criteria Version 2. Collection method: clinical testing. Allele origin: germline. Affected: yes. Observed: 11 variant alleles.
Comment: CAPN15: BP4, BP7

Blueprint Genetics
Classification: Likely benign. Last evaluated: 2024-11-21. Review status: criteria provided, single submitter. Criteria: ACMG Guidelines, 2015. Collection method: clinical testing. Allele origin: germline.

PreventionGenetics, part of Exact Sciences
Classification: Likely benign for CAPN15-related condition. Last evaluated: 2024-05-30. Review status: no assertion criteria provided. Collection method: clinical testing. Allele origin: germline. Not counted in ClinVar's aggregate classification.
Comment: This variant is classified as likely benign based on ACMG/AMP sequence variant interpretation guidelines (Richards et al. 2015 PMID: 25741868, with internal and published modifications).

Dr. Peter K. Rogan Lab, Western University
No classification provided (evidence only). Condition: Acute myeloid leukemia. Review status: no classification provided. Collection method: in vitro. Allele origin: not applicable. Functional consequence: retained intron. Not counted in ClinVar's aggregate classification.